The following is an entry in ClinVar:

ClinVar aggregate classification (germline): Likely pathogenic (1 of 4 stars; one submission).

Conditions:
Dilated cardiomyopathy 1G (CMD1G). Identifiers: Orphanet 154, MedGen C1858763, MONDO:0011400, OMIM 604145.
Autosomal recessive limb-girdle muscular dystrophy type 2J (LGMDR10). Also called: MUSCULAR DYSTROPHY, LIMB-GIRDLE, AUTOSOMAL RECESSIVE 10; Limb-girdle muscular dystrophy, type 2J. Identifiers: Orphanet 140922, MedGen C1837342, MONDO:0012127, OMIM 608807.

Submission:

Labcorp Genetics (formerly Invitae), Labcorp
Classification: Likely pathogenic for Dilated cardiomyopathy 1G; Autosomal recessive limb-girdle muscular dystrophy type 2J. Last evaluated: 2024-10-18. Review status: criteria provided, single submitter. Criteria: Invitae Variant Classification Sherloc (09022015). Collection method: clinical testing. Allele origin: germline.
Comment: This sequence change creates a premature translational stop signal (p.Tyr969*) in the TTN gene. While this is not anticipated to result in nonsense mediated decay, it is expected to create a truncated TTN protein. This variant is not present in population databases (gnomAD no frequency). This variant has not been reported in the literature in individuals affected with TTN-related conditions. This variant is located in the Z band of TTN (PMID: 25589632). Truncating variants in this region have been reported in individuals affected with autosomal recessive centronuclear myopathy (PMID: 33449170, internal data). Truncating variants in this region have also been identified in individuals affected with autosomal dominant dilated cardiomyopathy and/or cardio-related conditions (PMID: 27869827, 32964742, internal data). In summary, the currently available evidence indicates that the variant is pathogenic, but additional data are needed to prove that conclusively. Therefore, this variant has been classified as Likely Pathogenic.

Literature cited by the submitters: PubMed 25589632; PubMed 33449170; PubMed 27869827; PubMed 32964742.

NM_001267550.2(TTN):c.2907C>A (p.Tyr969Ter)

Gene: TTN (titin; minus strand). Cytogenetic location: 2q31.2.
Variant type: single nucleotide variant.
Coding change: c.2907C>A on transcript NM_001267550.2 (MANE Select); coding-DNA position 2907, C replaced by A.
Protein change: p.Tyr969Ter; replaces tyrosine 969 with a stop codon.
Molecular consequence: nonsense.
Genome position (GRCh38, 1-based): chr2:178,782,999, G>T on the plus strand (C>A on the coding strand, the complement: TTN is on the minus strand). VCF-style: chr2-178782999-G-T. GRCh37 (hg19) VCF-style: chr2-179647726-G-T.
Other names: c.2907C>A, p.Tyr969Ter (NM_001256850.1, NM_133378.4, NM_133379.5); c.2769C>A, p.Tyr923Ter (NM_003319.4, NM_133432.3, NM_133437.4); short protein forms Y969*, Y923*.
Identifiers: ClinVar variation 2942446 (VCV002942446.3), dbSNP rs2533378945, ClinGen allele CA349491783.